The following is an entry in ClinVar:

NM_022042.4(SLC26A1):c.1036G>A (p.Val346Met)

Genes: IDUA (alpha-L-iduronidase; plus strand), SLC26A1 (solute carrier family 26 member 1; minus strand). Cytogenetic location: 4p16.3.
Variant type: single nucleotide variant.
Coding change: c.1036G>A on transcript NM_022042.4 (MANE Select); coding-DNA position 1036, G replaced by A.
Protein change: p.Val346Met; replaces valine 346 with methionine.
Molecular consequence: missense variant. On other transcripts: intron variant (2).
Genome position (GRCh38, 1-based): chr4:989,903, C>T on the plus strand (G>A on the coding strand, the complement: SLC26A1 is on the minus strand). VCF-style: chr4-989903-C-T. GRCh37 (hg19) VCF-style: chr4-983691-C-T.
Other names: c.1036G>A, p.Val346Met (NM_213613.4); c.576+1225G>A (NM_134425.4); c.299+1954C>T (NM_000203.5); short protein forms V346M.
Identifiers: ClinVar variation 2985942 (VCV002985942.4), dbSNP rs200297109, ClinGen allele CA2801481.
Genomic context (GRCh38, chr4:989,903, plus strand): 5'-TGCGGGCGAACATCTCCGCCAGCGAGATGGAGAAGGCGGCAGCCACGAGGGCCAGGGCCA[C>T]GGCATCCAAAGCCACACGCTGCATCAGCCTGGGCTCTGGGACCTGAGGGGGCATGAAACC-3'
Protein context (NP_071325.2, residues 336-356): RLMQRVALDA[Val346Met]ALALVAAAFS

ClinVar aggregate classification (germline): Uncertain significance. Review status: criteria provided, multiple submitters, no conflicts (2 of 4 stars). 2 submissions from 2 submitters: Uncertain significance (2). Last evaluated 2024-05-01.

Conditions:
Hypersulfaturia (HYSULF). Identifiers: MedGen C5830511, MONDO:0957268, OMIM 620372.
Nephrolithiasis susceptibility caused by SLC26A1 (CAON1). Also called: NEPHROLITHIASIS, CALCIUM OXALATE, 1. Identifiers: MedGen C5779632, MONDO:0020722, OMIM 167030.

Allele frequency attached by ClinVar (database versions not stated): ESP Exome Variant Server 0.00016; ExAC 0.00036; 1000 Genomes Project 0.00040; 1000 Genomes Project 30x 0.00047; gnomAD exomes 0.00004; gnomAD 0.00005; TOPMed 0.00009.
gnomAD v4.1: 58 of 1,564,684 alleles (0.0037%); highest among the groups gnomAD compares: South Asian, 0.019%; no homozygotes.

Submissions (2):

Fulgent Genetics
Classification: Uncertain significance for Nephrolithiasis susceptibility caused by SLC26A1; Hypersulfaturia. Last evaluated: 2024-05-01. Review status: criteria provided, single submitter. Criteria: ACMG Guidelines, 2015. Collection method: clinical testing. Allele origin: germline.

Labcorp Genetics (formerly Invitae), Labcorp
Classification: Uncertain significance. Last evaluated: 2023-11-21. Review status: criteria provided, single submitter. Criteria: Invitae Variant Classification Sherloc (09022015). Collection method: clinical testing. Allele origin: germline.
Comment: This sequence change replaces valine, which is neutral and non-polar, with methionine, which is neutral and non-polar, at codon 346 of the SLC26A1 protein (p.Val346Met). This variant is present in population databases (rs200297109, gnomAD 0.03%). This variant has not been reported in the literature in individuals affected with SLC26A1-related conditions. Advanced modeling of protein sequence and biophysical properties (such as structural, functional, and spatial information, amino acid conservation, physicochemical variation, residue mobility, and thermodynamic stability) performed at Invitae indicates that this missense variant is not expected to disrupt SLC26A1 protein function with a negative predictive value of 80%. In summary, the available evidence is currently insufficient to determine the role of this variant in disease. Therefore, it has been classified as a Variant of Uncertain Significance.